The following is an entry in ClinVar:

NM_001142966.3(GREB1L):c.2652C>T (p.Asp884=)

Gene: GREB1L (GREB1 like retinoic acid receptor coactivator; plus strand). Cytogenetic location: 18q11.1.
Variant type: single nucleotide variant.
Coding change: c.2652C>T on transcript NM_001142966.3 (MANE Select); coding-DNA position 2652, C replaced by T.
Protein change: p.Asp884=; no amino-acid change (aspartic acid 884 retained).
Molecular consequence: synonymous variant.
Genome position (GRCh38, 1-based): chr18:21,485,715, C>T. VCF-style: chr18-21485715-C-T. GRCh37 (hg19) VCF-style: chr18-19065676-C-T.
Other names: c.2781C>T, p.Asp927= (NM_001410867.1); c.2325C>T, p.Asp775= (NM_001410868.1); c.2652C>T (NM_001142966.1).
Identifiers: ClinVar variation 2080841 (VCV002080841.25), dbSNP rs369012735, ClinGen allele CA8906514.

ClinVar aggregate classification (germline): Likely benign. Review status: criteria provided, multiple submitters, no conflicts (2 of 4 stars). 3 submissions from 3 submitters: Likely benign (2). 1 of the submissions does not count toward it. Last evaluated 2025-12-01.

Conditions:
GREB1L-related disorder. Also called: GREB1L-related condition.

Allele frequency attached by ClinVar (database versions not stated): ExAC 0.00005; gnomAD 0.00009; TOPMed 0.00012; ESP Exome Variant Server 0.00022.
gnomAD v4.1: 144 of 1,551,242 alleles (0.0093%); highest among the groups gnomAD compares: Non-Finnish European, 0.011%; no homozygotes.

Submissions (3):

CeGaT Center for Human Genetics Tuebingen
Classification: Likely benign. Last evaluated: 2025-12-01. Review status: criteria provided, single submitter. Criteria: CeGaT Center For Human Genetics Tuebingen Variant Classification Criteria Version 2. Collection method: clinical testing. Allele origin: germline. Affected: yes. Observed: 2 variant alleles.
Comment: GREB1L: BP4, BP7

Labcorp Genetics (formerly Invitae), Labcorp
Classification: Likely benign. Last evaluated: 2024-02-02. Review status: criteria provided, single submitter. Criteria: Invitae Variant Classification Sherloc (09022015). Collection method: clinical testing. Allele origin: germline.

PreventionGenetics, part of Exact Sciences
Classification: Likely benign for GREB1L-related condition. Last evaluated: 2019-09-09. Review status: no assertion criteria provided. Collection method: clinical testing. Allele origin: germline. Not counted in ClinVar's aggregate classification.
Comment: This variant is classified as likely benign based on ACMG/AMP sequence variant interpretation guidelines (Richards et al. 2015 PMID: 25741868, with internal and published modifications).